The following is an entry in ClinVar:

ClinVar aggregate classification (germline): Benign (1 of 4 stars; one submission).

Conditions:
Papillary renal cell carcinoma type 1 (RCCP1). Also called: Renal adenocarcinoma; Renal cell carcinoma 1; Renal cell carcinoma, somatic; RENAL CELL CARCINOMA, PAPILLARY, 1, SOMATIC. Identifiers: Orphanet 47044, MedGen C1336839, OMIM 605074, HP:0011797.

Submission:

Myriad Genetics, Inc.
Classification: Benign for Papillary renal cell carcinoma type 1. Last evaluated: 2024-11-08. Review status: criteria provided, single submitter. Criteria: Myriad Autosomal Dominant, Autosomal Recessive and X-Linked Classification Criteria (2023). Collection method: clinical testing. Allele origin: unknown.
Comment: This variant is considered benign. This variant is a silent/synonymous amino acid change and it is not expected to impact splicing.

NM_000245.4(MET):c.1851C>T (p.Ser617=)

Gene: MET (MET proto-oncogene, receptor tyrosine kinase; plus strand). Cytogenetic location: 7q31.2.
Variant type: single nucleotide variant.
Coding change: c.1851C>T on transcript NM_000245.4 (MANE Select); coding-DNA position 1851, C replaced by T.
Protein change: p.Ser617=; no amino-acid change (serine 617 retained).
Molecular consequence: synonymous variant.
Genome position (GRCh38, 1-based): chr7:116,755,504, C>T. VCF-style: chr7-116755504-C-T. GRCh37 (hg19) VCF-style: chr7-116395558-C-T.
Other names: c.1851C>T, p.Ser617= (NM_001127500.3, NM_001324401.3); c.561C>T, p.Ser187= (NM_001324402.2).
Identifiers: ClinVar variation 3773264 (VCV003773264.1).
Genomic context (GRCh38, chr7:116,755,504, plus strand): 5'-TTTAAAGAAAACTAGAGTTCTCCTTGGAAATGAGAGCTGCACCTTGACTTTAAGTGAGAG[C>T]ACGATGAATACGTAAGGATCTTAAAATGCTTTGCTGGGGTGTGCTTGGAAAATAGGTTTT-3'
Protein context (NP_000236.2, residues 607-627): NESCTLTLSE[Ser617=]TMNTLKCTVG